The following is an entry in ClinVar:

ClinVar aggregate classification (germline): Conflicting classifications of pathogenicity. Review status: criteria provided, conflicting classifications (1 of 4 stars). 3 submissions from 3 submitters: Uncertain significance (2); Likely benign (1). Last evaluated 2025-07-21.

Conditions:
Hereditary nonpolyposis colorectal neoplasms. Identifiers: MedGen C0009405, MeSH D003123.
Hereditary cancer-predisposing syndrome. Also called: Tumor predisposition; Hereditary neoplastic syndrome; Hereditary Cancer Syndrome; Neoplastic Syndromes, Hereditary. Identifiers: Orphanet 140162, MedGen C0027672, MeSH D009386, MONDO:0015356.

Submissions (3):

Ambry Genetics
Classification: Likely benign for Hereditary cancer-predisposing syndrome. Last evaluated: 2025-07-21. Review status: criteria provided, single submitter. Criteria: Ambry Variant Classification Scheme 2023. Collection method: clinical testing. Allele origin: germline.

Color Diagnostics, LLC DBA Color Health
Classification: Uncertain significance for Hereditary cancer-predisposing syndrome. Last evaluated: 2023-12-04. Review status: criteria provided, single submitter. Criteria: ACMG Guidelines, 2015. Collection method: clinical testing. Allele origin: germline.
Comment: This missense variant replaces threonine with alanine at codon 429 of the PMS2 protein. Computational prediction suggests that this variant may not impact protein structure and function (internally defined REVEL score threshold <= 0.5, PMID: 27666373). To our knowledge, functional studies have not been reported for this variant. This variant has not been reported in individuals affected with PMS2-related disorders in the literature. This variant has not been identified in the general population by the Genome Aggregation Database (gnomAD). The available evidence is insufficient to determine the role of this variant in disease conclusively. Therefore, this variant is classified as a Variant of Uncertain Significance.

Labcorp Genetics (formerly Invitae), Labcorp
Classification: Uncertain significance for Hereditary nonpolyposis colorectal neoplasms. Last evaluated: 2021-10-28. Review status: criteria provided, single submitter. Criteria: Invitae Variant Classification Sherloc (09022015). Collection method: clinical testing. Allele origin: germline.
Comment: This sequence change replaces threonine, which is neutral and polar, with alanine, which is neutral and non-polar, at codon 429 of the PMS2 protein (p.Thr429Ala). This variant is not present in population databases (gnomAD no frequency). This variant has not been reported in the literature in individuals affected with PMS2-related conditions. ClinVar contains an entry for this variant (Variation ID: 918226). Advanced modeling of protein sequence and biophysical properties (such as structural, functional, and spatial information, amino acid conservation, physicochemical variation, residue mobility, and thermodynamic stability) performed at Invitae indicates that this missense variant is not expected to disrupt PMS2 protein function. In summary, the available evidence is currently insufficient to determine the role of this variant in disease. Therefore, it has been classified as a Variant of Uncertain Significance.

NM_000535.7(PMS2):c.1285A>G (p.Thr429Ala)

Gene: PMS2 (PMS1 homolog 2, mismatch repair system component; minus strand). Cytogenetic location: 7p22.1.
Variant type: single nucleotide variant.
Coding change: c.1285A>G on transcript NM_000535.7 (MANE Select); coding-DNA position 1285, A replaced by G.
Protein change: p.Thr429Ala; replaces threonine 429 with alanine.
Molecular consequence: missense variant. On other transcripts: non-coding transcript variant (1).
Genome position (GRCh38, 1-based): chr7:5,987,480, T>C on the plus strand (A>G on the coding strand, the complement: PMS2 is on the minus strand). VCF-style: chr7-5987480-T-C. GRCh37 (hg19) VCF-style: chr7-6027111-T-C.
Other names: c.880A>G, p.Thr294Ala (NM_001322003.2, NM_001322004.2, NM_001322005.2 and 1 more transcripts); c.1129A>G, p.Thr377Ala (NM_001322006.2); c.967A>G, p.Thr323Ala (NM_001322007.2, NM_001322008.2); c.724A>G, p.Thr242Ala (NM_001322010.2); c.352A>G, p.Thr118Ala (NM_001322011.2, NM_001322012.2); c.712A>G, p.Thr238Ala (NM_001322013.2); c.1285A>G, p.Thr429Ala (NM_001322014.2); c.976A>G, p.Thr326Ala (NM_001322015.2); short protein forms T242A, T323A, T377A, T238A, T294A, T118A, T326A, T429A.
Identifiers: ClinVar variation 918226 (VCV000918226.10), dbSNP rs1450566410, ClinGen allele CA366742415.